The following is an entry in ClinVar:

NM_000843.4(GRM6):c.165_177del (p.Arg55_Ala56insTer)

Gene: GRM6 (glutamate metabotropic receptor 6; minus strand). Cytogenetic location: 5q35.3.
Variant type: Deletion.
Coding change: c.165_177del on transcript NM_000843.4 (MANE Select); coding-DNA positions 165 to 177, 13 bases deleted (GGCGTGCGGGCAG).
Protein change: p.Arg55_Ala56insTer.
Molecular consequence: frameshift variant.
Genome position (GRCh38, 1-based): chr5:178,994,768-178,994,780, CTGCCCGCACGCC deleted on the plus strand (GGCGTGCGGGCAG on the coding strand, the reverse complement: GRM6 is on the minus strand); deleting any 13 consecutive bases within chr5:178,994,768-178,994,781 gives the same sequence; the c. name uses the placement nearest the transcript's 3' end. VCF-style (leftmost placement, unchanged base first): chr5-178994767-GCTGCCCGCACGCC-G. GRCh37 (hg19) VCF-style: chr5-178421768-GCTGCCCGCACGCC-G.
Other names: c.165_177del (NM_000843.3).
Identifiers: ClinVar variation 1075435 (VCV001075435.10), dbSNP rs751696722, ClinGen allele CA3594584.
Genomic context (GRCh38, chr5:178,994,767, plus strand): 5'-TGACGCGGTCCAGCGCGTACAGCATGGCCTCCAGCCGGTGCACGCCCTGCTCCTTCTTCA[GCTGCCCGCACGCC>G]CGGCCCGCCGCGCCCCGCGCGTGCACCGGGAACAGGCCGCCCAGCGTCAGGCCGCCCGCC-3'

ClinVar aggregate classification (germline): Pathogenic/Likely pathogenic. Review status: criteria provided, multiple submitters, no conflicts (2 of 4 stars). 3 submissions from 3 submitters: Pathogenic (2); Likely pathogenic (1). Last evaluated 2024-12-24.

Conditions:
GRM6-related disorders.

Submissions (3):

GeneDx
Classification: Pathogenic. Last evaluated: 2024-12-24. Review status: criteria provided, single submitter. Criteria: GeneDx Variant Classification Process June 2021. Collection method: clinical testing. Allele origin: germline. Affected: yes.
Comment: Nonsense variant predicted to result in protein truncation or nonsense mediated decay in a gene for which loss of function is a known mechanism of disease; Not observed at significant frequency in large population cohorts (gnomAD); Reported in a database of variants in genes associated with inherited retinal diseases; however, details were not provided (PMID: 31964843); This variant is associated with the following publications: (PMID: 31964843)

Blueprint Genetics
Classification: Likely pathogenic for GRM6-related disorders. Last evaluated: 2024-07-08. Review status: criteria provided, single submitter. Criteria: ACMG Guidelines, 2015. Collection method: clinical testing. Allele origin: germline. Affected: yes. Observed: 4 variant alleles.

Labcorp Genetics (formerly Invitae), Labcorp
Classification: Pathogenic. Last evaluated: 2024-06-25. Review status: criteria provided, single submitter. Criteria: Invitae Variant Classification Sherloc (09022015). Collection method: clinical testing. Allele origin: germline.
Comment: This sequence change creates a premature translational stop signal (p.Ala56*) in the GRM6 gene. It is expected to result in an absent or disrupted protein product. Loss-of-function variants in GRM6 are known to be pathogenic (PMID: 15781871, 16622103, 22008250). This variant is present in population databases (rs751696722, gnomAD 0.004%). This variant has not been reported in the literature in individuals affected with GRM6-related conditions. ClinVar contains an entry for this variant (Variation ID: 1075435). For these reasons, this variant has been classified as Pathogenic.

Literature cited by the submitters: PubMed 15781871 (cited by Labcorp Genetics (formerly Invitae), Labcorp); PubMed 16622103 (cited by Labcorp Genetics (formerly Invitae), Labcorp); PubMed 22008250 (cited by Labcorp Genetics (formerly Invitae), Labcorp).